The following is an entry in ClinVar:

NM_173477.5(USH1G):c.914C>G (p.Ser305Cys)

Gene: USH1G (USH1 protein network component sans; minus strand). Cytogenetic location: 17q25.1.
Variant type: single nucleotide variant.
Coding change: c.914C>G on transcript NM_173477.5 (MANE Select); coding-DNA position 914, C replaced by G.
Protein change: p.Ser305Cys; replaces serine 305 with cysteine.
Molecular consequence: missense variant.
Genome position (GRCh38, 1-based): chr17:74,919,922, G>C on the plus strand (C>G on the coding strand, the complement: USH1G is on the minus strand). VCF-style: chr17-74919922-G-C. GRCh37 (hg19) VCF-style: chr17-72916017-G-C.
Other names: c.605C>G, p.Ser202Cys (NM_001282489.3); c.914C>G (NM_173477.2); short protein forms S305C, S202C.
Identifiers: ClinVar variation 841407 (VCV000841407.12), dbSNP rs764111098, ClinGen allele CA8753971.
Genomic context (GRCh38, chr17:74,919,922, plus strand): 5'-CCACTGCTCAAGTAATTTCTGCGGAACACCATGGTGCCCAGGCCGGGGCGGGTAAACAGG[G>C]AGTCGTGGCCTGAGTCGGTGCTGACCTCCGAGTGGGCAGGCTCGGCCGCCAGCGTGGCAC-3'
Protein context (NP_775748.2, residues 295-315): SEVSTDSGHD[Ser305Cys]LFTRPGLGTM

ClinVar aggregate classification (germline): Uncertain significance. Review status: criteria provided, multiple submitters, no conflicts (2 of 4 stars). 2 submissions from 2 submitters: Uncertain significance (2). Last evaluated 2025-04-18.

Conditions:
Inborn genetic diseases. Identifiers: MedGen C0950123, MeSH D030342.

Allele frequency attached by ClinVar (database versions not stated): TOPMed 0.00002.
gnomAD v4.1: 8 of 1,612,976 alleles (0.0005%); highest among the groups gnomAD compares: East Asian, 0.013%; no homozygotes.

Submissions (2):

Ambry Genetics
Classification: Uncertain significance for Inborn genetic diseases. Last evaluated: 2025-04-18. Review status: criteria provided, single submitter. Criteria: Ambry Variant Classification Scheme 2023. Collection method: clinical testing. Allele origin: germline.

Labcorp Genetics (formerly Invitae), Labcorp
Classification: Uncertain significance. Last evaluated: 2022-07-30. Review status: criteria provided, single submitter. Criteria: Invitae Variant Classification Sherloc (09022015). Collection method: clinical testing. Allele origin: germline.
Comment: This sequence change replaces serine, which is neutral and polar, with cysteine, which is neutral and slightly polar, at codon 305 of the USH1G protein (p.Ser305Cys). This variant is present in population databases (rs764111098, gnomAD 0.03%). This variant has not been reported in the literature in individuals affected with USH1G-related conditions. ClinVar contains an entry for this variant (Variation ID: 841407). Algorithms developed to predict the effect of missense changes on protein structure and function are either unavailable or do not agree on the potential impact of this missense change (SIFT: "Not Available"; PolyPhen-2: "Probably Damaging"; Align-GVGD: "Not Available"). In summary, the available evidence is currently insufficient to determine the role of this variant in disease. Therefore, it has been classified as a Variant of Uncertain Significance.